The following is an entry in ClinVar:

ClinVar aggregate classification (germline): Uncertain significance. Review status: criteria provided, multiple submitters, no conflicts (2 of 4 stars). 2 submissions from 2 submitters: Uncertain significance (2). Last evaluated 2026-05-24.

Conditions:
Hereditary cancer-predisposing syndrome. Also called: Tumor predisposition; Hereditary neoplastic syndrome; Neoplastic Syndromes, Hereditary; Hereditary Cancer Syndrome. Identifiers: Orphanet 140162, MedGen C0027672, MeSH D009386, MONDO:0015356.

Allele frequency attached by ClinVar (database versions not stated): gnomAD exomes below 0.00001.
gnomAD v4.1: 1 of 1,612,904 alleles (0.000062%); highest among the groups gnomAD compares: African/African-American, 0.0013%; no homozygotes.

Submissions (2):

Ambry Genetics
Classification: Uncertain significance for Hereditary cancer-predisposing syndrome. Last evaluated: 2026-05-24. Review status: criteria provided, single submitter. Criteria: Ambry Variant Classification Scheme 2023. Collection method: clinical testing. Allele origin: germline.
Comment: The p.E1544Q variant (also known as c.4630G>C), located in coding exon 36 of the POLE gene, results from a G to C substitution at nucleotide position 4630. The glutamic acid at codon 1544 is replaced by glutamine, an amino acid with highly similar properties. This amino acid position is conserved. In addition, this alteration is predicted to be tolerated by in silico analysis. Based on the available evidence, the clinical significance of this variant remains unclear.

Labcorp Genetics (formerly Invitae), Labcorp
Classification: Uncertain significance. Last evaluated: 2022-06-03. Review status: criteria provided, single submitter. Criteria: Invitae Variant Classification Sherloc (09022015). Collection method: clinical testing. Allele origin: germline.
Comment: In summary, the available evidence is currently insufficient to determine the role of this variant in disease. Therefore, it has been classified as a Variant of Uncertain Significance. Algorithms developed to predict the effect of missense changes on protein structure and function (SIFT, PolyPhen-2, Align-GVGD) all suggest that this variant is likely to be tolerated. ClinVar contains an entry for this variant (Variation ID: 473677). This variant has not been reported in the literature in individuals affected with POLE-related conditions. This variant is not present in population databases (gnomAD no frequency). This sequence change replaces glutamic acid, which is acidic and polar, with glutamine, which is neutral and polar, at codon 1544 of the POLE protein (p.Glu1544Gln).

NM_006231.4(POLE):c.4630G>C (p.Glu1544Gln)

Gene: POLE (DNA polymerase epsilon, catalytic subunit; minus strand). Cytogenetic location: 12q24.33.
Variant type: single nucleotide variant.
Coding change: c.4630G>C on transcript NM_006231.4 (MANE Select); coding-DNA position 4630, G replaced by C.
Protein change: p.Glu1544Gln; replaces glutamic acid 1544 with glutamine.
Molecular consequence: missense variant.
Genome position (GRCh38, 1-based): chr12:132,642,918, C>G on the plus strand (G>C on the coding strand, the complement: POLE is on the minus strand). VCF-style: chr12-132642918-C-G. GRCh37 (hg19) VCF-style: chr12-133219504-C-G.
Other names: c.4630G>C (NM_006231.2); short protein forms E1544Q.
Identifiers: ClinVar variation 473677 (VCV000473677.9), dbSNP rs1555222735, ClinGen allele CA387379111.
Genomic context (GRCh38, chr12:132,642,918, plus strand): 5'-TGGTCTTCAGGTCAGTTTCTGCCCGAACTTCGAAGGTGTGTTTGGGGGGTGGCAGGAGCT[C>G]AGGGCCCACCTTCTCCAGGAGGAGGCCGTGCTCTGCTGAGTACAGGGCGCCAAGGCTGGG-3'
Protein context (NP_006222.2, residues 1534-1554): HGLLLEKVGP[Glu1544Gln]LLPPPKHTFE